The following is an entry in ClinVar:

ClinVar aggregate classification (germline): Likely benign (1 of 4 stars; one submission).

gnomAD v4.1: 49 of 1,238,972 alleles (0.004%); highest among the groups gnomAD compares: Admixed American, 0.081%; no homozygotes.

Submission:

CeGaT Center for Human Genetics Tuebingen
Classification: Likely benign. Last evaluated: 2026-07-01. Review status: criteria provided, single submitter. Criteria: CeGaT Center For Human Genetics Tuebingen Variant Classification Criteria Version 2. Collection method: clinical testing. Allele origin: germline. Affected: yes. Observed: 2 variant alleles.
Comment: BICRA: BP4, BP7

NM_001394372.1(BICRA):c.2526C>T (p.Gly842=)

Gene: BICRA (BRD4 interacting chromatin remodeling complex associated protein; plus strand). Cytogenetic location: 19q13.33.
Variant type: single nucleotide variant.
Coding change: c.2526C>T on transcript NM_001394372.1 (MANE Select); coding-DNA position 2526, C replaced by T.
Protein change: p.Gly842=; no amino-acid change (glycine 842 retained).
Molecular consequence: synonymous variant.
Genome position (GRCh38, 1-based): chr19:47,694,357, C>T. VCF-style: chr19-47694357-C-T. GRCh37 (hg19) VCF-style: chr19-48197614-C-T.
Other names: c.2526C>T, p.Gly842= (NM_015711.3).
Identifiers: ClinVar variation 4681379 (VCV004681379.5).